The following is an entry in ClinVar:

ClinVar aggregate classification (germline): Benign/Likely benign. Review status: criteria provided, multiple submitters, no conflicts (2 of 4 stars). 7 submissions from 7 submitters: Benign (4); Likely benign (2). 1 of the submissions does not count toward it. Last evaluated 2026-02-04.

Conditions:
NCF2-related disorder. Also called: NCF2-related condition.
Granulomatous disease, chronic, autosomal recessive, cytochrome b-positive, type 2. Also called: Chronic Granulomatous Disease, Autosomal Recessive, Cytochrome b-Positive, Type II; GRANULOMATOUS DISEASE, CHRONIC, AUTOSOMAL RECESSIVE, 2; Chronic granulomatous disease due to deficiency of NCF-2; CGD, AUTOSOMAL RECESSIVE CYTOCHROME b-POSITIVE, TYPE II; GRANULOMATOUS DISEASE, CHRONIC, DUE TO NCF2 DEFICIENCY. Identifiers: Orphanet 379, MedGen C1856245, MONDO:0009310, OMIM 233710.

Allele frequency attached by ClinVar (database versions not stated): gnomAD 0.00125 and 0.00088; 1000 Genomes Project 30x 0.00515; 1000 Genomes Project 0.00519; ESP Exome Variant Server 0.00054; TOPMed 0.00119.
gnomAD v4.1: 1,966 of 1,614,094 alleles (0.12%); highest among the groups gnomAD compares: East Asian, 2.9%; 27 homozygotes.

Submissions (7):

Labcorp Genetics (formerly Invitae), Labcorp
Classification: Benign for Granulomatous disease, chronic, autosomal recessive, cytochrome b-positive, type 2. Last evaluated: 2026-02-04. Review status: criteria provided, single submitter. Criteria: Invitae Variant Classification Sherloc (09022015). Collection method: clinical testing. Allele origin: germline.

CeGaT Center for Human Genetics Tuebingen
Classification: Benign. Last evaluated: 2022-09-01. Review status: criteria provided, single submitter. Criteria: CeGaT Center For Human Genetics Tuebingen Variant Classification Criteria Version 2. Collection method: clinical testing. Allele origin: germline. Affected: yes. Observed: 1 variant allele.
Comment: NCF2: BS1, BS2

Women's Health and Genetics/Laboratory Corporation of America, LabCorp
Classification: Likely benign. Last evaluated: 2022-02-18. Review status: criteria provided, single submitter. Criteria: LabCorp Variant Classification Summary - May 2015. Collection method: clinical testing. Allele origin: germline.

GeneDx
Classification: Benign. Last evaluated: 2020-05-05. Review status: criteria provided, single submitter. Criteria: GeneDx Variant Classification Process June 2021. Collection method: clinical testing. Allele origin: germline. Affected: yes.
Comment: This variant is associated with the following publications: (PMID: 29560547, 31180159)

Illumina Laboratory Services, Illumina
Classification: Benign for Granulomatous disease, chronic, autosomal recessive, cytochrome b-positive, type 2. Last evaluated: 2017-04-27. Review status: criteria provided, single submitter. Criteria: ICSL Variant Classification Criteria 13 December 2019. Collection method: clinical testing. Allele origin: germline.
Comment: This variant was observed as part of a predisposition screen in an ostensibly healthy population. A literature search was performed for the gene, cDNA change, and amino acid change (where applicable). No publications were found based on this search. Allele frequency data from public databases was too high to be consistent with this variant causing disease. Therefore, this variant is classified as benign.

Breakthrough Genomics
Classification: Likely benign. Review status: criteria provided, single submitter. Criteria: ACMG Guidelines, 2015. Collection method: not provided. Allele origin: germline. Inheritance: Autosomal recessive inheritance. Affected: yes.

PreventionGenetics, part of Exact Sciences
Classification: Likely benign for NCF2-related condition. Last evaluated: 2019-09-09. Review status: no assertion criteria provided. Collection method: clinical testing. Allele origin: germline. Not counted in ClinVar's aggregate classification.
Comment: This variant is classified as likely benign based on ACMG/AMP sequence variant interpretation guidelines (Richards et al. 2015 PMID: 25741868, with internal and published modifications).

NM_000433.4(NCF2):c.836C>T (p.Thr279Met)

Gene: NCF2 (neutrophil cytosolic factor 2; minus strand). Cytogenetic location: 1q25.3.
Variant type: single nucleotide variant.
Coding change: c.836C>T on transcript NM_000433.4 (MANE Select); coding-DNA position 836, C replaced by T.
Protein change: p.Thr279Met; replaces threonine 279 with methionine.
Molecular consequence: missense variant.
Genome position (GRCh38, 1-based): chr1:183,567,223, G>A on the plus strand (C>T on the coding strand, the complement: NCF2 is on the minus strand). VCF-style: chr1-183567223-G-A. GRCh37 (hg19) VCF-style: chr1-183536358-G-A.
Other names: c.836C>T, p.Thr279Met (NM_001127651.3); c.593C>T, p.Thr198Met (NM_001190789.2); c.701C>T, p.Thr234Met (NM_001190794.2); short protein forms T279M, T198M, T234M.
Identifiers: ClinVar variation 379274 (VCV000379274.49), dbSNP rs13306581, ClinGen allele CA1284797.